The following is an entry in ClinVar:

NM_002633.3(PGM1):c.463G>A (p.Glu155Lys)

Gene: PGM1 (phosphoglucomutase 1; plus strand). Cytogenetic location: 1p31.3.
Variant type: single nucleotide variant.
Coding change: c.463G>A on transcript NM_002633.3 (MANE Select); coding-DNA position 463, G replaced by A.
Protein change: p.Glu155Lys; replaces glutamic acid 155 with lysine.
Molecular consequence: missense variant. On other transcripts: 5 prime UTR variant (1).
Genome position (GRCh38, 1-based): chr1:63,629,995, G>A. VCF-style: chr1-63629995-G-A. GRCh37 (hg19) VCF-style: chr1-64095666-G-A.
Other names: c.517G>A, p.Glu173Lys (NM_001172818.1); c.-129G>A (NM_001172819.2); short protein forms E155K, E173K.
Identifiers: ClinVar variation 2165423 (VCV002165423.1), dbSNP rs747172175, ClinGen allele CA889551.

ClinVar aggregate classification (germline): Uncertain significance (1 of 4 stars; one submission).

Conditions:
PGM1-congenital disorder of glycosylation. Also called: GLYCOGEN STORAGE DISEASE XIV; GSD XIV; PHOSPHOGLUCOMUTASE 1 DEFICIENCY; PGM1 DEFICIENCY; CDG It; Congenital disorder of glycosylation type 1t. Identifiers: Orphanet 319646, MedGen C2752015, MONDO:0013968, OMIM 614921.

Allele frequency attached by ClinVar (database versions not stated): gnomAD 0.00001; gnomAD exomes 0.00001; ExAC 0.00002; TOPMed 0.00003.
gnomAD v4.1: 21 of 1,613,884 alleles (0.0013%); highest among the groups gnomAD compares: Admixed American, 0.02%; no homozygotes.

Submission:

Labcorp Genetics (formerly Invitae), Labcorp
Classification: Uncertain significance for PGM1-congenital disorder of glycosylation. Last evaluated: 2022-09-27. Review status: criteria provided, single submitter. Criteria: Invitae Variant Classification Sherloc (09022015). Collection method: clinical testing. Allele origin: germline.
Comment: This sequence change replaces glutamic acid, which is acidic and polar, with lysine, which is basic and polar, at codon 155 of the PGM1 protein (p.Glu155Lys). This variant is present in population databases (rs747172175, gnomAD 0.03%). This variant has not been reported in the literature in individuals affected with PGM1-related conditions. Advanced modeling of protein sequence and biophysical properties (such as structural, functional, and spatial information, amino acid conservation, physicochemical variation, residue mobility, and thermodynamic stability) performed at Invitae indicates that this missense variant is not expected to disrupt PGM1 protein function. In summary, the available evidence is currently insufficient to determine the role of this variant in disease. Therefore, it has been classified as a Variant of Uncertain Significance.